The following is an entry in ClinVar:

ClinVar aggregate classification (germline): Likely benign (1 of 4 stars; one submission).

gnomAD v4.1: 58 of 1,613,646 alleles (0.0036%); highest among the groups gnomAD compares: South Asian, 0.016%; no homozygotes.

Submission:

CeGaT Center for Human Genetics Tuebingen
Classification: Likely benign. Last evaluated: 2024-12-01. Review status: criteria provided, single submitter. Criteria: CeGaT Center For Human Genetics Tuebingen Variant Classification Criteria Version 2. Collection method: clinical testing. Allele origin: germline. Affected: yes. Observed: 1 variant allele.
Comment: MYO1H: BP4, BP7

NM_001101421.4(MYO1H):c.909C>T (p.Asp303=)

Gene: MYO1H (myosin IH; plus strand). Cytogenetic location: 12q24.11.
Variant type: single nucleotide variant.
Coding change: c.909C>T on transcript NM_001101421.4 (MANE Select); coding-DNA position 909, C replaced by T.
Protein change: p.Asp303=; no amino-acid change (aspartic acid 303 retained).
Molecular consequence: synonymous variant.
Genome position (GRCh38, 1-based): chr12:109,405,981, C>T. VCF-style: chr12-109405981-C-T. GRCh37 (hg19) VCF-style: chr12-109843786-C-T.
Identifiers: ClinVar variation 3771071 (VCV003771071.13).